The following is an entry in ClinVar:

ClinVar aggregate classification (germline): Uncertain significance (1 of 4 stars; one submission).

Submission:

Labcorp Genetics (formerly Invitae), Labcorp
Classification: Uncertain significance. Last evaluated: 2024-05-01. Review status: criteria provided, single submitter. Criteria: Invitae Variant Classification Sherloc (09022015). Collection method: clinical testing. Allele origin: germline.
Comment: This sequence change replaces glycine, which is neutral and non-polar, with aspartic acid, which is acidic and polar, at codon 372 of the COL4A3 protein (p.Gly372Asp). This variant is not present in population databases (gnomAD no frequency). This variant has not been reported in the literature in individuals affected with COL4A3-related conditions. An algorithm developed to predict the effect of missense changes on protein structure and function (PolyPhen-2) suggests that this variant is likely to be disruptive. Algorithms developed to predict the effect of sequence changes on RNA splicing suggest that this variant may disrupt the consensus splice site. In summary, the available evidence is currently insufficient to determine the role of this variant in disease. Therefore, it has been classified as a Variant of Uncertain Significance.

NM_000091.5(COL4A3):c.1115G>A (p.Gly372Asp)

Genes: COL4A3 (collagen type IV alpha 3 chain; plus strand), MFF-DT (MFF divergent transcript; minus strand). Cytogenetic location: 2q36.3.
Variant type: single nucleotide variant.
Coding change: c.1115G>A on transcript NM_000091.5 (MANE Select); coding-DNA position 1115, G replaced by A.
Protein change: p.Gly372Asp; replaces glycine 372 with aspartic acid.
Molecular consequence: missense variant.
Genome position (GRCh38, 1-based): chr2:227,261,082, G>A. VCF-style: chr2-227261082-G-A. GRCh37 (hg19) VCF-style: chr2-228125798-G-A.
Other names: short protein forms G372D.
Identifiers: ClinVar variation 3696941 (VCV003696941.2).
Genomic context (GRCh38, chr2:227,261,082, plus strand): 5'-AAGTGGATGGGACAGCATTTATATCTTTCTAAGCAATTAATTAATGTTATATATTCCCAG[G>A]TCCCAGTGGTCCCCCCGGAGTTCCTGGAAGTCCTGGTATGTCCATGTTTCTTGGGGTACA-3'
Protein context (NP_000082.2, residues 362-382): PGPRGARGPQ[Gly372Asp]PSGPPGVPGS